The following is an entry in ClinVar:

NM_001457.4(FLNB):c.1693G>C (p.Gly565Arg)

Gene: FLNB (filamin B; plus strand). Cytogenetic location: 3p14.3.
Variant type: single nucleotide variant.
Coding change: c.1693G>C on transcript NM_001457.4 (MANE Select); coding-DNA position 1693, G replaced by C.
Protein change: p.Gly565Arg; replaces glycine 565 with arginine.
Molecular consequence: missense variant.
Genome position (GRCh38, 1-based): chr3:58,105,162, G>C. VCF-style: chr3-58105162-G-C. GRCh37 (hg19) VCF-style: chr3-58090889-G-C.
Other names: c.1693G>C, p.Gly565Arg (NM_001164317.2, NM_001164318.2, NM_001164319.2); short protein forms G565R.
Identifiers: ClinVar variation 4801687 (VCV004801687.1).

ClinVar aggregate classification (germline): Uncertain significance (1 of 4 stars; one submission).

Submission:

Labcorp Genetics (formerly Invitae), Labcorp
Classification: Uncertain significance. Last evaluated: 2025-11-12. Review status: criteria provided, single submitter. Criteria: Invitae Variant Classification Sherloc (09022015). Collection method: clinical testing. Allele origin: germline.
Comment: This sequence change replaces glycine, which is neutral and non-polar, with arginine, which is basic and polar, at codon 565 of the FLNB protein (p.Gly565Arg). This variant is not present in population databases (gnomAD no frequency). This missense change has been observed in individual(s) with non-syndromic orofacial clefts (PMID: 37003352). Invitae Evidence Modeling of protein sequence and biophysical properties (such as structural, functional, and spatial information, amino acid conservation, physicochemical variation, residue mobility, and thermodynamic stability) has been performed for this missense variant. However, the output from this modeling did not meet the statistical confidence thresholds required to predict the impact of this variant on FLNB protein function. Experimental studies have shown that this missense change affects FLNB function (PMID: 37003352). In summary, the available evidence is currently insufficient to determine the role of this variant in disease. Therefore, it has been classified as a Variant of Uncertain Significance.

Literature cited by the submitters: PubMed 37003352.